The following is an entry in ClinVar:

NM_001352754.2(ARMC9):c.1666A>G (p.Asn556Asp)

Gene: ARMC9 (armadillo repeat containing 9; plus strand). Cytogenetic location: 2q37.1.
Variant type: single nucleotide variant.
Coding change: c.1666A>G on transcript NM_001352754.2 (MANE Select); coding-DNA position 1666, A replaced by G.
Protein change: p.Asn556Asp; replaces asparagine 556 with aspartic acid.
Molecular consequence: missense variant. On other transcripts: non-coding transcript variant (1).
Genome position (GRCh38, 1-based): chr2:231,291,392, A>G. VCF-style: chr2-231291392-A-G. GRCh37 (hg19) VCF-style: chr2-232156105-A-G.
Other names: c.1666A>G, p.Asn556Asp (NM_001271466.4, NM_001291656.2, NM_001352755.2 and 3 more transcripts); c.1567A>G, p.Asn523Asp (NM_001352757.2, NM_001352758.2); c.1666A>G (NM_025139.3); short protein forms N556D, N523D.
Identifiers: ClinVar variation 940393 (VCV000940393.8), dbSNP rs548980514, ClinGen allele CA2160435.
Genomic context (GRCh38, chr2:231,291,392, plus strand): 5'-TACTTTCGCCAATACTTCTAGGGAATGGAAGACATCCTACGCTGCTTCATCAAAGAAGGC[A>G]ATGCTGAAATGATCCGCCAGATAGAATTCATCATCAAGCAGCTAAATTCCGGTCAGTTTG-3'
Protein context (NP_001339683.2, residues 546-566): DILRCFIKEG[Asn556Asp]AEMIRQIEFI

ClinVar aggregate classification (germline): Uncertain significance. Review status: criteria provided, multiple submitters, no conflicts (2 of 4 stars). 2 submissions from 2 submitters: Uncertain significance (2). Last evaluated 2025-12-17.

Conditions:
Inborn genetic diseases. Identifiers: MedGen C0950123, MeSH D030342.

Allele frequency attached by ClinVar (database versions not stated): ExAC 0.00003; gnomAD exomes 0.00003 and 0.00006; TOPMed 0.00006; gnomAD 0.00008 and 0.00009.
gnomAD v4.1: 59 of 1,613,770 alleles (0.0037%); highest among the groups gnomAD compares: Non-Finnish European, 0.0047%; no homozygotes.

Submissions (2):

Labcorp Genetics (formerly Invitae), Labcorp
Classification: Uncertain significance. Last evaluated: 2025-12-17. Review status: criteria provided, single submitter. Criteria: Invitae Variant Classification Sherloc (09022015). Collection method: clinical testing. Allele origin: germline.
Comment: This sequence change replaces asparagine, which is neutral and polar, with aspartic acid, which is acidic and polar, at codon 556 of the ARMC9 protein (p.Asn556Asp). This variant is present in population databases (rs548980514, gnomAD 0.01%). This variant has not been reported in the literature in individuals affected with ARMC9-related conditions. ClinVar contains an entry for this variant (Variation ID: 940393). Experimental studies and prediction algorithms are not available or were not evaluated, and the functional significance of this variant is currently unknown. In summary, the available evidence is currently insufficient to determine the role of this variant in disease. Therefore, it has been classified as a Variant of Uncertain Significance.

Ambry Genetics
Classification: Uncertain significance for Inborn genetic diseases. Last evaluated: 2025-09-25. Review status: criteria provided, single submitter. Criteria: Ambry Variant Classification Scheme 2023. Collection method: clinical testing. Allele origin: germline.